The following is an entry in ClinVar:

NM_001099922.3(ALG13):c.1697A>C (p.Gln566Pro)

Gene: ALG13 (ALG13 UDP-N-acetylglucosaminyltransferase subunit; plus strand). Cytogenetic location: Xq23.
Variant type: single nucleotide variant.
Coding change: c.1697A>C on transcript NM_001099922.3 (MANE Select); coding-DNA position 1697, A replaced by C.
Protein change: p.Gln566Pro; replaces glutamine 566 with proline.
Molecular consequence: missense variant. On other transcripts: non-coding transcript variant (1).
Genome position (GRCh38, 1-based): chrX:111,725,029, A>C. VCF-style: chrX-111725029-A-C. GRCh37 (hg19) VCF-style: chrX-110968257-A-C.
Other names: c.1385A>C, p.Gln462Pro (NM_001257230.2, NM_001257234.2, NM_001257237.2); c.1463A>C, p.Gln488Pro (NM_001257231.2); c.1697A>C, p.Gln566Pro (NM_001324292.2); c.1211A>C, p.Gln404Pro (NM_001324293.1); short protein forms Q404P, Q462P, Q488P, Q566P.
Identifiers: ClinVar variation 3901736 (VCV003901736.1).

ClinVar aggregate classification (germline): Uncertain significance (1 of 4 stars; one submission).

Submission:

GeneDx
Classification: Uncertain significance. Last evaluated: 2024-12-03. Review status: criteria provided, single submitter. Criteria: GeneDx Variant Classification Process June 2021. Collection method: clinical testing. Allele origin: germline. Affected: yes.
Comment: Not observed at significant frequency in large population cohorts (gnomAD); In silico analysis supports that this missense variant has a deleterious effect on protein structure/function; Has not been previously published as pathogenic or benign to our knowledge